The following is an entry in ClinVar:

ClinVar aggregate classification (germline): Benign/Likely benign. Review status: criteria provided, multiple submitters, no conflicts (2 of 4 stars). 2 submissions from 2 submitters: Benign (1); Likely benign (1). Last evaluated 2025-10-02.

Allele frequency attached by ClinVar (database versions not stated): gnomAD 0.00041; gnomAD exomes 0.00048 and 0.00088; TOPMed 0.00084; 1000 Genomes Project 0.00200; ExAC 0.00088; 1000 Genomes Project 30x 0.00187.
gnomAD v4.1: 744 of 1,613,324 alleles (0.046%); highest among the groups gnomAD compares: East Asian, 1.3%; 10 homozygotes.

Submissions (2):

Labcorp Genetics (formerly Invitae), Labcorp
Classification: Benign. Last evaluated: 2025-10-02. Review status: criteria provided, single submitter. Criteria: Invitae Variant Classification Sherloc (09022015). Collection method: clinical testing. Allele origin: germline.

CeGaT Center for Human Genetics Tuebingen
Classification: Likely benign. Last evaluated: 2023-07-01. Review status: criteria provided, single submitter. Criteria: CeGaT Center For Human Genetics Tuebingen Variant Classification Criteria Version 2. Collection method: clinical testing. Allele origin: germline. Affected: yes. Observed: 2 variant alleles.
Comment: GRM7: BP4, BP7, BS2

NM_000844.4(GRM7):c.759C>T (p.Ser253=)

Gene: GRM7 (glutamate metabotropic receptor 7; plus strand). Cytogenetic location: 3p26.1.
Variant type: single nucleotide variant.
Coding change: c.759C>T on transcript NM_000844.4 (MANE Select); coding-DNA position 759, C replaced by T.
Protein change: p.Ser253=; no amino-acid change (serine 253 retained).
Molecular consequence: synonymous variant.
Genome position (GRCh38, 1-based): chr3:7,298,706, C>T. VCF-style: chr3-7298706-C-T. GRCh37 (hg19) VCF-style: chr3-7340393-C-T.
Other names: c.759C>T, p.Ser253= (NM_181874.3).
Identifiers: ClinVar variation 728651 (VCV000728651.32), dbSNP rs144380165, ClinGen allele CA2234685.